The following is an entry in ClinVar:

NM_015459.5(ATL3):c.622C>G (p.Leu208Val)

Genes: ATL3 (atlastin GTPase 3; minus strand), LNCROPM (lncRNA regulator of PLAAT3 mediated phospholipid metabolism; plus strand). Cytogenetic location: 11q13.1.
Variant type: single nucleotide variant.
Coding change: c.622C>G on transcript NM_015459.5 (MANE Select); coding-DNA position 622, C replaced by G.
Protein change: p.Leu208Val; replaces leucine 208 with valine.
Molecular consequence: missense variant.
Genome position (GRCh38, 1-based): chr11:63,644,258, G>C on the plus strand (C>G on the coding strand, the complement: ATL3 is on the minus strand). VCF-style: chr11-63644258-G-C. GRCh37 (hg19) VCF-style: chr11-63411730-G-C.
Other names: c.568C>G, p.Leu190Val (NM_001290048.2); short protein forms L208V, L190V.
Identifiers: ClinVar variation 2995168 (VCV002995168.3), dbSNP rs751929370, ClinGen allele CA6063720.

ClinVar aggregate classification (germline): Uncertain significance (1 of 4 stars; one submission).

Conditions:
Neuropathy, hereditary sensory, type 1F. Also called: Hereditary sensory neuropathy type IF; HSN IF. Identifiers: Orphanet 36386, MedGen C3810194, MONDO:0014286, OMIM 615632.

Allele frequency attached by ClinVar (database versions not stated): ExAC 0.00001.
gnomAD v4.1: 3 of 1,590,926 alleles (0.00019%); highest among the groups gnomAD compares: African/African-American, 0.0013%; no homozygotes.

Submission:

Labcorp Genetics (formerly Invitae), Labcorp
Classification: Uncertain significance for Neuropathy, hereditary sensory, type 1F. Last evaluated: 2023-03-27. Review status: criteria provided, single submitter. Criteria: Invitae Variant Classification Sherloc (09022015). Collection method: clinical testing. Allele origin: germline.
Comment: Algorithms developed to predict the effect of sequence changes on RNA splicing suggest that this variant may create or strengthen a splice site. In summary, the available evidence is currently insufficient to determine the role of this variant in disease. Therefore, it has been classified as a Variant of Uncertain Significance. Advanced modeling of protein sequence and biophysical properties (such as structural, functional, and spatial information, amino acid conservation, physicochemical variation, residue mobility, and thermodynamic stability) performed at Invitae indicates that this missense variant is expected to disrupt ATL3 protein function. This variant has not been reported in the literature in individuals affected with ATL3-related conditions. This variant is present in population databases (rs751929370, gnomAD 0.0009%). This sequence change replaces leucine, which is neutral and non-polar, with valine, which is neutral and non-polar, at codon 208 of the ATL3 protein (p.Leu208Val).